The following is an entry in ClinVar:

ClinVar aggregate classification (germline): Likely benign (1 of 4 stars; one submission).

Allele frequency attached by ClinVar (database versions not stated): 1000 Genomes Project 30x 0.00016; 1000 Genomes Project 0.00020; TOPMed 0.00153; gnomAD 0.00212; ExAC 0.00213; ESP Exome Variant Server 0.00331.
gnomAD v4.1: 3,528 of 1,614,198 alleles (0.22%); highest among the groups gnomAD compares: Non-Finnish European, 0.27%; 5 homozygotes.

Submission:

CeGaT Center for Human Genetics Tuebingen
Classification: Likely benign. Last evaluated: 2022-07-01. Review status: criteria provided, single submitter. Criteria: CeGaT Center For Human Genetics Tuebingen Variant Classification Criteria Version 2. Collection method: clinical testing. Allele origin: germline. Affected: yes. Observed: 1 variant allele.
Comment: DUSP3: BP4, BP7

NM_004090.4(DUSP3):c.183C>T (p.Asn61=)

Gene: DUSP3 (dual specificity phosphatase 3; minus strand). Cytogenetic location: 17q21.31.
Variant type: single nucleotide variant.
Coding change: c.183C>T on transcript NM_004090.4 (MANE Select); coding-DNA position 183, C replaced by T.
Protein change: p.Asn61=; no amino-acid change (asparagine 61 retained).
Molecular consequence: synonymous variant.
Genome position (GRCh38, 1-based): chr17:43,774,881, G>A on the plus strand (C>T on the coding strand, the complement: DUSP3 is on the minus strand). VCF-style: chr17-43774881-G-A. GRCh37 (hg19) VCF-style: chr17-41852249-G-A.
Identifiers: ClinVar variation 2647815 (VCV002647815.24), dbSNP rs148312361, ClinGen allele CA8593037.
Genomic context (GRCh38, chr17:43,774,881, plus strand): 5'-GGAGTCCTTGTAGAAGTTGGCATTGGTGTTGACGTGCATGAAGGACCTGCCCTCAGCCGC[G>A]TTCAGCACATGGGTGATGCCTAGTTTCTGCAGCTTGGGGATGTCCTGAGCCACAGACCTG-3'
Protein context (NP_004081.1, residues 51-71): LQKLGITHVL[Asn61=]AAEGRSFMHV